The following is an entry in ClinVar:

NM_001122955.4(BSCL2):c.845C>T (p.Ala282Val)

Genes: BSCL2 (BSCL2 lipid droplet biogenesis associated, seipin; minus strand), HNRNPUL2-BSCL2 (HNRNPUL2-BSCL2 readthrough (NMD candidate); minus strand). Cytogenetic location: 11q12.3.
Variant type: single nucleotide variant.
Coding change: c.845C>T on transcript NM_001122955.4 (MANE Select); coding-DNA position 845, C replaced by T.
Protein change: p.Ala282Val; replaces alanine 282 with valine.
Molecular consequence: missense variant. On other transcripts: non-coding transcript variant (1).
Genome position (GRCh38, 1-based): chr11:62,692,394, G>A on the plus strand (C>T on the coding strand, the complement: BSCL2 is on the minus strand). VCF-style: chr11-62692394-G-A. GRCh37 (hg19) VCF-style: chr11-62459866-G-A.
Other names: p.Ala218Val; c.653C>T, p.Ala218Val (NM_001130702.2, NM_032667.6); c.845C>T, p.Ala282Val (NM_001386027.1, NM_001386028.1); short protein forms A218V, A282V.
Identifiers: ClinVar variation 305177 (VCV000305177.61), dbSNP rs185341934, ClinGen allele CA6053437.
Genomic context (GRCh38, chr11:62,692,394, plus strand): 5'-CCGTGAAGAGTTGCCCAAGGTTCACTCCAGTTGGCCCCTCACCTGAGCCCAGTGAAGTGC[G>A]CGTGGATGCGGAGGTAGGCTCCATACAGCTGGATGCGCTTGCTGTGGATCTCAATGATCG-3'
Protein context (NP_001116427.1, residues 272-292): QLYGAYLRIH[Ala282Val]HFTGLRYLLY

ClinVar aggregate classification (germline): Conflicting classifications of pathogenicity. Review status: criteria provided, conflicting classifications (1 of 4 stars). 15 submissions from 14 submitters: Uncertain risk allele (1); Benign (6); Likely benign (7). 1 of the submissions does not count toward it. Last evaluated 2026-08-01.

Conditions:
BSCL2-related disorder. Also called: BSCL2-Related Disorders; BSCL2-related condition.
Congenital generalized lipodystrophy type 2 (CGL2). Also called: Berardinelli-Seip Congenital Lipodystrophy Type 2; BERARDINELLI SYNDROME; BRUNZELL SYNDROME, BSCL2-RELATED; SEIP SYNDROME. Identifiers: Orphanet 528, Orphanet 696289, MedGen C1720863, MONDO:0010020, OMIM 269700.
Neuronopathy, distal hereditary motor, type 5A (HMND5). Also called: DHMN VA; Distal Spinal Muscular Atrophy V (dSMA-V); NEURONOPATHY, DISTAL HEREDITARY MOTOR, AUTOSOMAL DOMINANT 5; Distal Spinal Muscular Atrophy V. Identifiers: Orphanet 139536, MedGen CN031873, MONDO:0015353, OMIM 600794.
Monogenic diabetes. Identifiers: Orphanet 183625, MedGen C3888631, MONDO:0015967.
Inborn genetic diseases. Identifiers: MedGen C0950123, MeSH D030342.
Charcot-Marie-Tooth disease type 2. Also called: Charcot-Marie-Tooth type 2. Identifiers: Orphanet 64746, MedGen C0270914, MONDO:0018993.

Allele frequency attached by ClinVar (database versions not stated): gnomAD exomes 0.00051 and 0.00181; gnomAD 0.00096 and 0.00109; ExAC 0.00165; TOPMed 0.00207; 1000 Genomes Project 30x 0.00328; 1000 Genomes Project 0.00379.
gnomAD v4.1: 961 of 1,614,176 alleles (0.06%); highest among the groups gnomAD compares: Admixed American, 0.88%; 11 homozygotes.

Submissions (15):

CeGaT Center for Human Genetics Tuebingen
Classification: Likely benign. Last evaluated: 2026-08-01. Review status: criteria provided, single submitter. Criteria: CeGaT Center For Human Genetics Tuebingen Variant Classification Criteria Version 2. Collection method: clinical testing. Allele origin: germline. Affected: yes. Observed: 8 variant alleles.
Comment: BSCL2: PP3, BS2

Labcorp Genetics (formerly Invitae), Labcorp
Classification: Benign for Charcot-Marie-Tooth disease type 2. Last evaluated: 2026-01-26. Review status: criteria provided, single submitter. Criteria: Invitae Variant Classification Sherloc (09022015). Collection method: clinical testing. Allele origin: germline.

Mayo Clinic Laboratories, Mayo Clinic
Classification: Likely benign. Last evaluated: 2025-02-12. Review status: criteria provided, single submitter. Criteria: ACMG Guidelines, 2015. Collection method: clinical testing. Allele origin: germline. Observed: 7 variant alleles.
Comment: BS1, BS2, PP3

Blueprint Genetics
Classification: Likely benign. Last evaluated: 2024-10-23. Review status: criteria provided, single submitter. Criteria: ACMG Guidelines, 2015. Collection method: clinical testing. Allele origin: germline.

ARUP Laboratories, Molecular Genetics and Genomics, ARUP Laboratories
Classification: Benign. Last evaluated: 2022-06-22. Review status: criteria provided, single submitter. Criteria: ARUP Molecular Germline Variant Investigation Process 2021. Collection method: clinical testing. Allele origin: germline.

Ambry Genetics
Classification: Likely benign for Inborn genetic diseases. Last evaluated: 2022-04-08. Review status: criteria provided, single submitter. Criteria: Ambry Variant Classification Scheme 2023. Collection method: clinical testing. Allele origin: germline.

Illumina Laboratory Services, Illumina
Classification: Benign for Congenital generalized lipodystrophy type 2. Last evaluated: 2018-01-13. Review status: criteria provided, single submitter. Criteria: ICSL Variant Classification Criteria 13 December 2019. Collection method: clinical testing. Allele origin: germline.
Comment: This variant was observed in the ICSL laboratory as part of a predisposition screen in an ostensibly healthy population. It had not been previously curated by ICSL or reported in the Human Gene Mutation Database (HGMD: prior to June 1st, 2018), and was therefore a candidate for classification through an automated scoring system. Utilizing variant allele frequency, disease prevalence and penetrance estimates, and inheritance mode, an automated score was calculated to assess if this variant is too frequent to cause the disease. Based on the score and internal cut-off values, a variant classified as benign is not then subjected to further curation. The score for this variant resulted in a classification of benign for this disease.

Illumina Laboratory Services, Illumina
Classification: Benign for Neuronopathy, distal hereditary motor, type 5A. Last evaluated: 2018-01-13. Review status: criteria provided, single submitter. Criteria: ICSL Variant Classification Criteria 13 December 2019. Collection method: clinical testing. Allele origin: germline.
Comment: the same text as in the submission from Illumina Laboratory Services, Illumina above.

Center for Pediatric Genomic Medicine, Children's Mercy Hospital and Clinics
Classification: Likely benign. Last evaluated: 2017-09-06. Review status: criteria provided, single submitter. Criteria: ACMG Guidelines, 2015. Collection method: clinical testing. Allele origin: germline.

Athena Diagnostics
Classification: Benign. Last evaluated: 2017-05-24. Review status: criteria provided, single submitter. Criteria: Athena Diagnostics Criteria. Collection method: clinical testing. Allele origin: germline.

Personalized Diabetes Medicine Program, University of Maryland School of Medicine
Classification: Likely benign for Monogenic diabetes. Last evaluated: 2017-01-02. Review status: criteria provided, single submitter. Criteria: ACMG Guidelines, 2015. Collection method: research. Allele origin: unknown. Observed: 1 variant allele, 1 heterozygote.
Comment: ACMG criteria: PP3 (9 predictors), BS2 (3 homozygotes in Latinos), BP6 (InVitae and Athena call it benign)=Likely benign

GeneDx
Classification: Benign. Last evaluated: 2015-03-03. Review status: criteria provided, single submitter. Criteria: GeneDx Variant Classification Process June 2021. Collection method: clinical testing. Allele origin: germline. Affected: yes.

Breakthrough Genomics
Classification: Likely benign. Review status: criteria provided, single submitter. Criteria: ACMG Guidelines, 2015. Collection method: not provided. Allele origin: germline. Inheritance: Autosomal recessive inheritance. Affected: yes.

Clinical Genomics, Uppaluri K&H Personalized Medicine Clinic
Classification: Uncertain risk allele for Congenital generalized lipodystrophy type 2. Review status: criteria provided, single submitter. Criteria: K And H Uppaluri Personalized Medicine Clinic Variant Classification And Assertion Criteria Updated V 2. Collection method: research. Allele origin: unknown. Inheritance: Autosomal recessive inheritance.
Comment: Potent mutations in BSCL2 gene are associated with Congenital generalized lipodystrophy, type 2, which can present with insulin resistance, fatty liver and diabetes.However, the role of this particular variant rs185341934 of Congenital Generalized Lipodystrophy type 2 remains uncertain

PreventionGenetics, part of Exact Sciences
Classification: Benign for BSCL2-related condition. Last evaluated: 2019-07-30. Review status: no assertion criteria provided. Collection method: clinical testing. Allele origin: germline. Not counted in ClinVar's aggregate classification.
Comment: This variant is classified as benign based on ACMG/AMP sequence variant interpretation guidelines (Richards et al. 2015 PMID: 25741868, with internal and published modifications).

Literature cited by the submitters: PubMed 35922214 (cited by Mayo Clinic Laboratories, Mayo Clinic); PubMed 35351089 (cited by Clinical Genomics, Uppaluri K&H Personalized Medicine Clinic); PubMed 18690553 (cited by Clinical Genomics, Uppaluri K&H Personalized Medicine Clinic); PubMed 31824185 (cited by Clinical Genomics, Uppaluri K&H Personalized Medicine Clinic).